The following is an entry in ClinVar:

NM_004371.4(COPA):c.1367TCT[1] (p.Phe457del)

Gene: COPA (coat protein complex I subunit alpha; minus strand). Cytogenetic location: 1q23.2.
Variant type: Microsatellite.
Coding change: c.1367TCT[1] on transcript NM_004371.4 (MANE Select); one copy of the 3-base unit TCT starting at c.1367; the reference has two copies in a row; one copy, 3 bases deleted.
Protein change: p.Phe457del; deletes phenylalanine 457.
Molecular consequence: inframe deletion.
Genome position (GRCh38, 1-based): chr1:160,306,424-160,306,426, AGA deleted on the plus strand (TCT on the coding strand, the reverse complement: COPA is on the minus strand); deleting any 3 consecutive bases within chr1:160,306,424-160,306,429 gives the same sequence; the position shown is the placement nearest the transcript's 3' end. VCF-style (leftmost placement, unchanged base first): chr1-160306423-TAGA-T. GRCh37 (hg19) VCF-style: chr1-160276213-TAGA-T.
Other names: c.1367TCT[1], p.Phe457del (NM_001098398.2); short protein forms F457del.
Identifiers: ClinVar variation 1365359 (VCV001365359.6), dbSNP rs2101837675, ClinGen allele CA2573934617.

ClinVar aggregate classification (germline): Uncertain significance (1 of 4 stars; one submission).

Conditions:
Autoimmune interstitial lung disease-arthritis syndrome. Also called: Autoinflammation and autoimmunity, systemic, with immune dysregulation. Identifiers: Orphanet 444092, MedGen C5975714, MONDO:0014629.

Submission:

Labcorp Genetics (formerly Invitae), Labcorp
Classification: Uncertain significance for Autoimmune interstitial lung disease-arthritis syndrome. Last evaluated: 2025-08-18. Review status: criteria provided, single submitter. Criteria: Invitae Variant Classification Sherloc (09022015). Collection method: clinical testing. Allele origin: germline.
Comment: This variant, c.1370_1372del, results in the deletion of 1 amino acid(s) of the COPA protein (p.Phe457del), but otherwise preserves the integrity of the reading frame. This variant is not present in population databases (gnomAD no frequency). This variant has not been reported in the literature in individuals affected with COPA-related conditions. Experimental studies and prediction algorithms are not available or were not evaluated, and the functional significance of this variant is currently unknown. In summary, the available evidence is currently insufficient to determine the role of this variant in disease. Therefore, it has been classified as a Variant of Uncertain Significance.